The following is an entry in ClinVar:

ClinVar aggregate classification (germline): Uncertain significance. Review status: criteria provided, multiple submitters, no conflicts (2 of 4 stars). 3 submissions from 3 submitters: Uncertain significance (3). Last evaluated 2025-08-07.

Conditions:
Fanconi anemia complementation group D2. Also called: FANCONI PANCYTOPENIA, TYPE 4; FANCD2-Related Fanconi Anemia; FANCONI ANEMIA, COMPLEMENTATION GROUP D. Identifiers: Orphanet 84, MedGen C3160738, MONDO:0009214, OMIM 227646.
Inborn genetic diseases. Identifiers: MedGen C0950123, MeSH D030342.
Fanconi anemia (FA). Also called: Fanconi's anemia. Identifiers: Orphanet 84, MedGen C0015625, MeSH D005199, MONDO:0019391.

Allele frequency attached by ClinVar (database versions not stated): gnomAD exomes 0.00001; gnomAD 0.00004; TOPMed 0.00004.
gnomAD v4.1: 10 of 1,614,010 alleles (0.00062%); highest among the groups gnomAD compares: Admixed American, 0.015%; no homozygotes.

Submissions (3):

Ambry Genetics
Classification: Uncertain significance for Inborn genetic diseases. Last evaluated: 2025-08-07. Review status: criteria provided, single submitter. Criteria: Ambry Variant Classification Scheme 2023. Collection method: clinical testing. Allele origin: germline.

Labcorp Genetics (formerly Invitae), Labcorp
Classification: Uncertain significance for Fanconi anemia. Last evaluated: 2025-06-04. Review status: criteria provided, single submitter. Criteria: Invitae Variant Classification Sherloc (09022015). Collection method: clinical testing. Allele origin: germline.
Comment: This sequence change replaces glycine, which is neutral and non-polar, with glutamic acid, which is acidic and polar, at codon 995 of the FANCD2 protein (p.Gly995Glu). This variant is present in population databases (no rsID available, gnomAD 0.006%). This variant has not been reported in the literature in individuals affected with FANCD2-related conditions. ClinVar contains an entry for this variant (Variation ID: 1354533). Invitae Evidence Modeling of protein sequence and biophysical properties (such as structural, functional, and spatial information, amino acid conservation, physicochemical variation, residue mobility, and thermodynamic stability) indicates that this missense variant is expected to disrupt FANCD2 protein function with a positive predictive value of 80%. In summary, the available evidence is currently insufficient to determine the role of this variant in disease. Therefore, it has been classified as a Variant of Uncertain Significance.

Fulgent Genetics
Classification: Uncertain significance for Fanconi anemia complementation group D2. Last evaluated: 2021-11-18. Review status: criteria provided, single submitter. Criteria: ACMG Guidelines, 2015. Collection method: clinical testing. Allele origin: unknown.

NM_001018115.3(FANCD2):c.2984G>A (p.Gly995Glu)

Gene: FANCD2 (FA complementation group D2; plus strand). Cytogenetic location: 3p25.3.
Variant type: single nucleotide variant.
Coding change: c.2984G>A on transcript NM_001018115.3 (MANE Select); coding-DNA position 2984, G replaced by A.
Protein change: p.Gly995Glu; replaces glycine 995 with glutamic acid.
Molecular consequence: missense variant.
Genome position (GRCh38, 1-based): chr3:10,081,107, G>A. VCF-style: chr3-10081107-G-A. GRCh37 (hg19) VCF-style: chr3-10122791-G-A.
Other names: c.2984G>A, p.Gly995Glu (NM_001319984.2, NM_001374254.1, NM_033084.6); c.2873G>A, p.Gly958Glu (NM_001374253.1); c.2984G>A (NM_033084.3); short protein forms G995E, G958E.
Identifiers: ClinVar variation 1354533 (VCV001354533.6), dbSNP rs1479681259, ClinGen allele CA351747143.